The following is an entry in ClinVar:

NM_000535.7(PMS2):c.681C>A (p.Ile227=)

Gene: PMS2 (PMS1 homolog 2, mismatch repair system component; minus strand). Cytogenetic location: 7p22.1.
Variant type: single nucleotide variant.
Coding change: c.681C>A on transcript NM_000535.7 (MANE Select); coding-DNA position 681, C replaced by A.
Protein change: p.Ile227=; no amino-acid change (isoleucine 227 retained).
Molecular consequence: synonymous variant. On other transcripts: 5 prime UTR variant (2), non-coding transcript variant (1), intron variant (1).
Genome position (GRCh38, 1-based): chr7:5,999,132, G>T on the plus strand (C>A on the coding strand, the complement: PMS2 is on the minus strand). VCF-style: chr7-5999132-G-T. GRCh37 (hg19) VCF-style: chr7-6038763-G-T.
Other names: c.276C>A, p.Ile92= (NM_001322003.2, NM_001322004.2, NM_001322005.2 and 2 more transcripts); c.681C>A, p.Ile227= (NM_001322006.2, NM_001322014.2); c.363C>A, p.Ile121= (NM_001322007.2, NM_001322008.2); c.-253C>A (NM_001322011.2, NM_001322012.2); c.372C>A, p.Ile124= (NM_001322015.2); c.133-1709C>A (NM_001322013.2).
Identifiers: ClinVar variation 184464 (VCV000184464.30), dbSNP rs188813057, ClinGen allele CA012497.

ClinVar aggregate classification (germline): Benign/Likely benign. Review status: criteria provided, multiple submitters, no conflicts (2 of 4 stars). 8 submissions from 8 submitters: Benign (2); Likely benign (5). 1 of the submissions does not count toward it. Last evaluated 2025-05-18.

Conditions:
PMS2-related disorder. Also called: PMS2-related condition.
Hereditary nonpolyposis colorectal neoplasms. Identifiers: MedGen C0009405, MeSH D003123.
Hereditary cancer-predisposing syndrome. Also called: Tumor predisposition; Neoplastic Syndromes, Hereditary; Hereditary Cancer Syndrome; Hereditary neoplastic syndrome. Identifiers: Orphanet 140162, MedGen C0027672, MeSH D009386, MONDO:0015356.
Lynch syndrome. Identifiers: Orphanet 144, MedGen C4552100, MONDO:0005835. Disease mechanism: loss of function.
Lynch syndrome 4 (LYNCH4). Also called: Hereditary non-polyposis colorectal cancer, type 4; Colorectal cancer, hereditary nonpolyposis, type 4. Identifiers: Orphanet 144, MedGen C1838333, MONDO:0013699, OMIM 614337. Disease mechanism: loss of function.

Allele frequency attached by ClinVar (database versions not stated): TOPMed 0.00001.
gnomAD v4.1: 3 of 1,613,948 alleles (0.00019%); highest among the groups gnomAD compares: Non-Finnish European, 0.00025%; no homozygotes.

Submissions (8):

Labcorp Genetics (formerly Invitae), Labcorp
Classification: Likely benign for Hereditary nonpolyposis colorectal neoplasms. Last evaluated: 2025-05-18. Review status: criteria provided, single submitter. Criteria: Invitae Variant Classification Sherloc (09022015). Collection method: clinical testing. Allele origin: germline.

CeGaT Center for Human Genetics Tuebingen
Classification: Likely benign. Last evaluated: 2025-03-01. Review status: criteria provided, single submitter. Criteria: CeGaT Center For Human Genetics Tuebingen Variant Classification Criteria Version 2. Collection method: clinical testing. Allele origin: germline. Affected: yes. Observed: 1 variant allele.
Comment: PMS2: BP4, BP7

Myriad Genetics, Inc.
Classification: Benign for Lynch syndrome 4. Last evaluated: 2025-01-27. Review status: criteria provided, single submitter. Criteria: Myriad Autosomal Dominant, Autosomal Recessive and X-Linked Classification Criteria (2023). Collection method: clinical testing. Allele origin: unknown.
Comment: This variant is considered benign. This variant is a silent/synonymous amino acid change and it is not expected to impact splicing.

All of Us Research Program, National Institutes of Health
Classification: Likely benign for Lynch syndrome. Last evaluated: 2023-05-04. Review status: criteria provided, single submitter. Criteria: ACMG Guidelines, 2015. Collection method: clinical testing. Allele origin: germline. Inheritance: Autosomal dominant inheritance. Observed: 2 variant alleles, 2 heterozygotes.
Comment: This study involves interpretation of variants in research participants for the purpose of population health screening. Participant phenotype was not available at the time of variant classification. Additional details can be found in publication PMID: 35346344, PMCID: PMC8962531

Color Diagnostics, LLC DBA Color Health
Classification: Likely benign for Hereditary cancer-predisposing syndrome. Last evaluated: 2017-11-17. Review status: criteria provided, single submitter. Criteria: ACMG Guidelines, 2015. Collection method: clinical testing. Allele origin: germline.

GeneDx
Classification: Benign. Last evaluated: 2015-09-09. Review status: criteria provided, single submitter. Criteria: GeneDx Variant Classification Process June 2021. Collection method: clinical testing. Allele origin: germline. Affected: yes.

Ambry Genetics
Classification: Likely benign for Hereditary cancer-predisposing syndrome. Last evaluated: 2014-08-20. Review status: criteria provided, single submitter. Criteria: Ambry Variant Classification Scheme 2023. Collection method: clinical testing. Allele origin: germline.

PreventionGenetics, part of Exact Sciences
Classification: Likely benign for PMS2-related condition. Last evaluated: 2019-10-30. Review status: no assertion criteria provided. Collection method: clinical testing. Allele origin: germline. Not counted in ClinVar's aggregate classification.
Comment: This variant is classified as likely benign based on ACMG/AMP sequence variant interpretation guidelines (Richards et al. 2015 PMID: 25741868, with internal and published modifications).